The following is an entry in ClinVar:

ClinVar aggregate classification (germline): Uncertain significance. Review status: criteria provided, multiple submitters, no conflicts (2 of 4 stars). 4 submissions from 4 submitters: Uncertain significance (4). Last evaluated 2025-12-16.

Conditions:
Hereditary cancer-predisposing syndrome. Also called: Neoplastic Syndromes, Hereditary; Tumor predisposition; Hereditary neoplastic syndrome; Hereditary Cancer Syndrome. Identifiers: Orphanet 140162, MedGen C0027672, MeSH D009386, MONDO:0015356.
Microcephaly, normal intelligence and immunodeficiency (NBS). Also called: Immunodeficiency, microcephaly with normal intelligence; SEEMANOVA SYNDROME II; IMMUNODEFICIENCY, MICROCEPHALY, AND CHROMOSOMAL INSTABILITY; BERLIN BREAKAGE SYNDROME; Nijmegen breakage syndrome; Microcephaly with normal intelligence immunodeficiency and lymphoreticular malignancies. Identifiers: Orphanet 647, MedGen C0398791, MONDO:0009623, OMIM 251260.
NBN-related disorder. Also called: NBN-related condition.

Allele frequency attached by ClinVar (database versions not stated): gnomAD exomes below 0.00001; ExAC 0.00001; TOPMed 0.00002; gnomAD 0.00002; ESP Exome Variant Server 0.00008.
gnomAD v4.1: 5 of 1,601,252 alleles (0.00031%); highest among the groups gnomAD compares: African/African-American, 0.0067%; no homozygotes.

Submissions (4):

Ambry Genetics
Classification: Uncertain significance for Hereditary cancer-predisposing syndrome. Last evaluated: 2025-12-16. Review status: criteria provided, single submitter. Criteria: Ambry Variant Classification Scheme 2023. Collection method: clinical testing. Allele origin: germline.
Comment: The p.Y679C variant (also known as c.2036A>G), located in coding exon 13 of the NBN gene, results from an A to G substitution at nucleotide position 2036. The tyrosine at codon 679 is replaced by cysteine, an amino acid with highly dissimilar properties. This amino acid position is not well conserved in available vertebrate species. In addition, this alteration is predicted to be tolerated by in silico analysis. Since supporting evidence is limited at this time, the clinical significance of this alteration remains unclear.

Labcorp Genetics (formerly Invitae), Labcorp
Classification: Uncertain significance for Microcephaly, normal intelligence and immunodeficiency. Last evaluated: 2024-10-22. Review status: criteria provided, single submitter. Criteria: Invitae Variant Classification Sherloc (09022015). Collection method: clinical testing. Allele origin: germline.
Comment: This sequence change replaces tyrosine, which is neutral and polar, with cysteine, which is neutral and slightly polar, at codon 679 of the NBN protein (p.Tyr679Cys). This variant is present in population databases (rs370295427, gnomAD 0.007%). This variant has not been reported in the literature in individuals affected with NBN-related conditions. ClinVar contains an entry for this variant (Variation ID: 461536). An algorithm developed to predict the effect of missense changes on protein structure and function outputs the following: PolyPhen-2: "Benign". The cysteine amino acid residue is found in multiple mammalian species, which suggests that this missense change does not adversely affect protein function. In summary, the available evidence is currently insufficient to determine the role of this variant in disease. Therefore, it has been classified as a Variant of Uncertain Significance.

PreventionGenetics, part of Exact Sciences
Classification: Uncertain significance for NBN-related condition. Last evaluated: 2023-05-17. Review status: criteria provided, single submitter. Criteria: ACMG Guidelines, 2015. Collection method: clinical testing. Allele origin: germline.
Comment: The NBN c.2036A>G variant is predicted to result in the amino acid substitution p.Tyr679Cys. To our knowledge, this variant has not been reported in the literature. This variant is reported in 0.0062% of alleles in individuals of African descent in gnomAD. At this time, the clinical significance of this variant is uncertain due to the absence of conclusive functional and genetic evidence.

Genome-Nilou Lab
Classification: Uncertain significance for Microcephaly, normal intelligence and immunodeficiency. Last evaluated: 2021-11-07. Review status: criteria provided, single submitter. Criteria: ACMG Guidelines, 2015. Collection method: clinical testing. Allele origin: germline. Affected: no.

NM_002485.5(NBN):c.2036A>G (p.Tyr679Cys)

Gene: NBN (nibrin; minus strand). Cytogenetic location: 8q21.3.
Variant type: single nucleotide variant.
Coding change: c.2036A>G on transcript NM_002485.5 (MANE Select); coding-DNA position 2036, A replaced by G.
Protein change: p.Tyr679Cys; replaces tyrosine 679 with cysteine.
Molecular consequence: missense variant.
Genome position (GRCh38, 1-based): chr8:89,946,174, T>C on the plus strand (A>G on the coding strand, the complement: NBN is on the minus strand). VCF-style: chr8-89946174-T-C. GRCh37 (hg19) VCF-style: chr8-90958402-T-C.
Other names: c.1790A>G, p.Tyr597Cys (NM_001024688.3); short protein forms Y679C, Y597C.
Identifiers: ClinVar variation 461536 (VCV000461536.21), dbSNP rs370295427, ClinGen allele CA4802628.